The following is an entry in ClinVar:

NM_001081.4(CUBN):c.5548A>T (p.Ile1850Leu)

Gene: CUBN (cubilin; minus strand). Cytogenetic location: 10p13.
Variant type: single nucleotide variant.
Coding change: c.5548A>T on transcript NM_001081.4 (MANE Select); coding-DNA position 5548, A replaced by T.
Protein change: p.Ile1850Leu; replaces isoleucine 1850 with leucine.
Molecular consequence: missense variant.
Genome position (GRCh38, 1-based): chr10:16,940,032, T>A on the plus strand (A>T on the coding strand, the complement: CUBN is on the minus strand). VCF-style: chr10-16940032-T-A. GRCh37 (hg19) VCF-style: chr10-16982031-T-A.
Other names: short protein forms I1850L.
Identifiers: ClinVar variation 940719 (VCV000940719.8), dbSNP rs200277745, ClinGen allele CA5423982.

ClinVar aggregate classification (germline): Uncertain significance. Review status: criteria provided, multiple submitters, no conflicts (2 of 4 stars). 2 submissions from 2 submitters: Uncertain significance (2). Last evaluated 2022-05-12.

Conditions:
Proteinuria, chronic benign. Identifiers: MedGen C5394384, MONDO:0030042, OMIM 618884.
Imerslund-Grasbeck syndrome type 1 (IGS1). Also called: Megaloblastic anemia 1, Finnish type; Imerslund-Gräsbeck syndrome 1; MEGALOBLASTIC ANEMIA, 1. Identifiers: MedGen C4016819, MONDO:0100156, OMIM 261100.
Imerslund-Grasbeck syndrome. Also called: ENTEROCYTE COBALAMIN MALABSORPTION; ENTEROCYTE INTRINSIC FACTOR RECEPTOR, DEFECT OF; Imerslund-Gräsbeck syndrome; Megaloblastic anemia due to inborn errors of metabolism; PERNICIOUS ANEMIA, JUVENILE, DUE TO SELECTIVE INTESTINAL MALABSORPTION OF VITAMIN B12, WITH PROTEINURIA. Identifiers: Orphanet 35858, MedGen C4551825, MONDO:0009853.

Allele frequency attached by ClinVar (database versions not stated): gnomAD 0.00001; ExAC 0.00004; ESP Exome Variant Server 0.00008; gnomAD exomes 0.00002 and 0.00003; TOPMed 0.00002.
gnomAD v4.1: 25 of 1,612,466 alleles (0.0016%); highest among the groups gnomAD compares: Non-Finnish European, 0.0021%; no homozygotes.

Submissions (2):

Fulgent Genetics
Classification: Uncertain significance for Imerslund-Grasbeck syndrome type 1; Proteinuria, chronic benign. Last evaluated: 2022-05-12. Review status: criteria provided, single submitter. Criteria: ACMG Guidelines, 2015. Collection method: clinical testing. Allele origin: unknown.

Labcorp Genetics (formerly Invitae), Labcorp
Classification: Uncertain significance for Imerslund-Grasbeck syndrome. Last evaluated: 2021-08-28. Review status: criteria provided, single submitter. Criteria: Invitae Variant Classification Sherloc (09022015). Collection method: clinical testing. Allele origin: germline.
Comment: This sequence change replaces isoleucine with leucine at codon 1850 of the CUBN protein (p.Ile1850Leu). The isoleucine residue is weakly conserved and there is a small physicochemical difference between isoleucine and leucine. This variant is present in population databases (rs200277745, ExAC 0.008%). This variant has not been reported in the literature in individuals affected with CUBN-related conditions. Algorithms developed to predict the effect of missense changes on protein structure and function (SIFT, PolyPhen-2, Align-GVGD) all suggest that this variant is likely to be tolerated. In summary, the available evidence is currently insufficient to determine the role of this variant in disease. Therefore, it has been classified as a Variant of Uncertain Significance.